The following is an entry in ClinVar:

ClinVar aggregate classification (germline): Uncertain significance (1 of 4 stars; one submission).

Submission:

CeGaT Center for Human Genetics Tuebingen
Classification: Uncertain significance. Last evaluated: 2025-05-01. Review status: criteria provided, single submitter. Criteria: CeGaT Center For Human Genetics Tuebingen Variant Classification Criteria Version 2. Collection method: clinical testing. Allele origin: germline. Affected: yes. Observed: 1 variant allele.
Comment: C1R: PM2

NM_001733.7(C1R):c.1715A>T (p.Asn572Ile)

Gene: C1R (complement C1r; minus strand). Cytogenetic location: 12p13.31.
Variant type: single nucleotide variant.
Coding change: c.1715A>T on transcript NM_001733.7 (MANE Select); coding-DNA position 1715, A replaced by T.
Protein change: p.Asn572Ile; replaces asparagine 572 with isoleucine.
Molecular consequence: missense variant.
Genome position (GRCh38, 1-based): chr12:7,080,935, T>A on the plus strand (A>T on the coding strand, the complement: C1R is on the minus strand). VCF-style: chr12-7080935-T-A. GRCh37 (hg19) VCF-style: chr12-7188239-T-A.
Other names: c.1757A>T, p.Asn586Ile (NM_001354346.2); short protein forms N572I, N586I.
Identifiers: ClinVar variation 3905675 (VCV003905675.10).